The following is an entry in ClinVar:

ClinVar aggregate classification (germline): Uncertain significance (1 of 4 stars; one submission).

Allele frequency attached by ClinVar (database versions not stated): gnomAD exomes below 0.00001.
gnomAD v4.1: 1 of 1,598,874 alleles (0.000063%); highest among the groups gnomAD compares: South Asian, 0.0011%; no homozygotes.

Submission:

Labcorp Genetics (formerly Invitae), Labcorp
Classification: Uncertain significance. Last evaluated: 2022-03-10. Review status: criteria provided, single submitter. Criteria: Invitae Variant Classification Sherloc (09022015). Collection method: clinical testing. Allele origin: germline.
Comment: In summary, the available evidence is currently insufficient to determine the role of this variant in disease. Therefore, it has been classified as a Variant of Uncertain Significance. Algorithms developed to predict the effect of missense changes on protein structure and function are either unavailable or do not agree on the potential impact of this missense change (SIFT: "Deleterious"; PolyPhen-2: "Not Available"; Align-GVGD: "Class C0"). This variant has not been reported in the literature in individuals affected with CDH23-related conditions. This variant is not present in population databases (gnomAD no frequency). This sequence change replaces isoleucine, which is neutral and non-polar, with asparagine, which is neutral and polar, at codon 2602 of the CDH23 protein (p.Ile2602Asn).

NM_022124.6(CDH23):c.7805T>A (p.Ile2602Asn)

Gene: CDH23 (cadherin related 23; plus strand). Cytogenetic location: 10q22.1.
Variant type: single nucleotide variant.
Coding change: c.7805T>A on transcript NM_022124.6 (MANE Select); coding-DNA position 7805, T replaced by A.
Protein change: p.Ile2602Asn; replaces isoleucine 2602 with asparagine.
Molecular consequence: missense variant.
Genome position (GRCh38, 1-based): chr10:71,803,353, T>A. VCF-style: chr10-71803353-T-A. GRCh37 (hg19) VCF-style: chr10-73563110-T-A.
Other names: c.1085T>A, p.Ile362Asn (NM_001171933.1, NM_001171934.1); short protein forms I2602N, I362N.
Identifiers: ClinVar variation 1469847 (VCV001469847.8), dbSNP rs1841614408, ClinGen allele CA377161481.
Genomic context (GRCh38, chr10:71,803,353, plus strand): 5'-TGGCCACAGATGGTGGAGAGCCCCCACTCTGGGGCACCACCATGCTCCTGGTGGAGGTCA[T>A]CGACGTCAATGACAACCGCCCTGTCTTTGTGCGCCCACCCAACGGCACCATCCTCCACAT-3'
Protein context (NP_071407.4, residues 2592-2612): WGTTMLLVEV[Ile2602Asn]DVNDNRPVFV